The following is an entry in ClinVar:

ClinVar aggregate classification (germline): Uncertain significance (1 of 4 stars; one submission).

Submission:

Ambry Genetics
Classification: Uncertain significance. Last evaluated: 2025-04-12. Review status: criteria provided, single submitter. Criteria: Ambry Variant Classification Scheme 2023. Collection method: clinical testing. Allele origin: germline.
Comment: The p.A1088V variant (also known as c.3263C>T), located in coding exon 12 of the WNK2 gene, results from a C to T substitution at nucleotide position 3263. The alanine at codon 1088 is replaced by valine, an amino acid with similar properties. This amino acid position is conserved. In addition, this alteration is predicted to be tolerated by in silico analysis. Based on the available evidence, the clinical significance of this variant remains unclear.

NM_006648.4(WNK2):c.3263C>T (p.Ala1088Val)

Gene: WNK2 (WNK lysine deficient protein kinase 2; plus strand). Cytogenetic location: 9q22.31.
Variant type: single nucleotide variant.
Coding change: c.3263C>T on transcript NM_006648.4 (MANE Select); coding-DNA position 3263, C replaced by T.
Protein change: p.Ala1088Val; replaces alanine 1088 with valine.
Molecular consequence: missense variant.
Genome position (GRCh38, 1-based): chr9:93,262,010, C>T. VCF-style: chr9-93262010-C-T. GRCh37 (hg19) VCF-style: chr9-96024292-C-T.
Other names: c.3263C>T, p.Ala1088Val (NM_001282394.3); short protein forms A1088V.
Identifiers: ClinVar variation 3981866 (VCV003981866.1).